The following is an entry in ClinVar:

ClinVar aggregate classification (germline): Pathogenic/Likely pathogenic. Review status: criteria provided, multiple submitters, no conflicts (2 of 4 stars). 2 submissions from 2 submitters: Pathogenic (1); Likely pathogenic (1). Last evaluated 2022-02-02.

Conditions:
Congenital myotonia, autosomal recessive form. Also called: Becker Generalized Myotonia; BECKER DISEASE; myotonia congenita, autosomal recessive. Identifiers: Orphanet 614, MedGen C0751360, MONDO:0009715, OMIM 255700.
Congenital myotonia, autosomal dominant form (THD). Also called: THOMSEN DISEASE; Myotonia congenita autosomal dominant. Identifiers: Orphanet 614, MedGen C2936781, MONDO:0008055, OMIM 160800.
CLCN1-related disorder. Also called: CLCN1-related condition.

Submissions (2):

Labcorp Genetics (formerly Invitae), Labcorp
Classification: Pathogenic for Congenital myotonia, autosomal recessive form; Congenital myotonia, autosomal dominant form. Last evaluated: 2022-02-02. Review status: criteria provided, single submitter. Criteria: Invitae Variant Classification Sherloc (09022015). Collection method: clinical testing. Allele origin: germline.
Comment: For these reasons, this variant has been classified as Pathogenic. This variant has not been reported in the literature in individuals affected with CLCN1-related conditions. This variant is not present in population databases (gnomAD no frequency). This sequence change creates a premature translational stop signal (p.Ile424Hisfs*6) in the CLCN1 gene. It is expected to result in an absent or disrupted protein product. Loss-of-function variants in CLCN1 are known to be pathogenic (PMID: 17932099, 22094069, 23739125).

Blueprint Genetics
Classification: Likely pathogenic for CLCN1-related disorders. Last evaluated: 2019-09-17. Review status: criteria provided, single submitter. Criteria: ACMG Guidelines, 2015. Collection method: clinical testing. Allele origin: germline. Affected: yes. Observed: 1 variant allele.

Literature cited by the submitters: PubMed 17932099 (cited by Labcorp Genetics (formerly Invitae), Labcorp); PubMed 22094069 (cited by Labcorp Genetics (formerly Invitae), Labcorp); PubMed 23739125 (cited by Labcorp Genetics (formerly Invitae), Labcorp).

NM_000083.3(CLCN1):c.1269dup (p.Ile424fs)

Gene: CLCN1 (chloride voltage-gated channel 1; plus strand). Cytogenetic location: 7q34.
Variant type: Duplication.
Coding change: c.1269dup on transcript NM_000083.3 (MANE Select); coding-DNA position 1269, one base duplicated (C; older notation c.1269dupC).
Protein change: p.Ile424fs; shifts the reading frame from isoleucine 424.
Molecular consequence: frameshift variant.
Genome position (GRCh38, 1-based): chr7:143,332,741, C duplicated; the last of 2 consecutive C bases (chr7:143,332,740-143,332,741); duplicating either gives the same sequence. VCF-style (leftmost placement, unchanged base first): chr7-143332739-G-GC. GRCh37 (hg19) VCF-style: chr7-143029832-G-GC.
Other names: short protein forms I424fs.
Identifiers: ClinVar variation 1454866 (VCV001454866.7), dbSNP rs2116855121, ClinGen allele CA2573141798.